The following is an entry in ClinVar:

ClinVar aggregate classification (germline): Uncertain significance (1 of 4 stars; one submission).

Conditions:
Mosaic variegated aneuploidy syndrome 1 (MVA1). Also called: Warburton-Anyane-Yeboa syndrome. Identifiers: Orphanet 1052, MedGen C1850343, MONDO:0009759, OMIM 257300.

Submission:

Labcorp Genetics (formerly Invitae), Labcorp
Classification: Uncertain significance for Mosaic variegated aneuploidy syndrome 1. Last evaluated: 2022-05-24. Review status: criteria provided, single submitter. Criteria: Invitae Variant Classification Sherloc (09022015). Collection method: clinical testing. Allele origin: germline.
Comment: This sequence change replaces serine, which is neutral and polar, with alanine, which is neutral and non-polar, at codon 913 of the BUB1B protein (p.Ser913Ala). This variant is not present in population databases (gnomAD no frequency). This variant has not been reported in the literature in individuals affected with BUB1B-related conditions. Algorithms developed to predict the effect of missense changes on protein structure and function are either unavailable or do not agree on the potential impact of this missense change (SIFT: "Tolerated"; PolyPhen-2: "Probably Damaging"; Align-GVGD: "Class C0"). Algorithms developed to predict the effect of sequence changes on RNA splicing suggest that this variant may disrupt the consensus splice site. In summary, the available evidence is currently insufficient to determine the role of this variant in disease. Therefore, it has been classified as a Variant of Uncertain Significance.

NM_001211.6(BUB1B):c.2737T>G (p.Ser913Ala)

Genes: BUB1B (BUB1 mitotic checkpoint serine/threonine kinase B; plus strand), BUB1B-PAK6 (BUB1B-PAK6 readthrough; plus strand). Cytogenetic location: 15q15.1.
Variant type: single nucleotide variant.
Coding change: c.2737T>G on transcript NM_001211.6 (MANE Select); coding-DNA position 2737, T replaced by G.
Protein change: p.Ser913Ala; replaces serine 913 with alanine.
Molecular consequence: missense variant. On other transcripts: 5 prime UTR variant (2).
Genome position (GRCh38, 1-based): chr15:40,217,554, T>G. VCF-style: chr15-40217554-T-G. GRCh37 (hg19) VCF-style: chr15-40509755-T-G.
Other names: c.-314T>G (NM_001128628.3); c.-231T>G (NM_001128629.3); short protein forms S913A.
Identifiers: ClinVar variation 1998138 (VCV001998138.4), dbSNP rs2542584687, ClinGen allele CA391687714.